The following is an entry in ClinVar:

ClinVar aggregate classification (germline): Uncertain significance (1 of 4 stars; one submission).

Conditions:
CHARGE syndrome (CHARGE). Also called: Hittner Hirsch Kreh syndrome; CHARGE ASSOCIATION--COLOBOMA, HEART ANOMALY, CHOANAL ATRESIA, RETARDATION, GENITAL AND EAR ANOMALIES; Coloboma, heart anomaly, choanal atresia, retardation, genital and ear anomalies; CHARGE association; Hall-Hittner syndrome. Identifiers: Orphanet 138, MedGen C0265354, MONDO:0008965.

Submission:

Labcorp Genetics (formerly Invitae), Labcorp
Classification: Uncertain significance for CHARGE syndrome. Last evaluated: 2022-04-19. Review status: criteria provided, single submitter. Criteria: Invitae Variant Classification Sherloc (09022015). Collection method: clinical testing. Allele origin: germline.
Comment: Algorithms developed to predict the effect of missense changes on protein structure and function are either unavailable or do not agree on the potential impact of this missense change (SIFT: "Deleterious"; PolyPhen-2: "Possibly Damaging"; Align-GVGD: "Class C0"). This variant has not been reported in the literature in individuals affected with SEMA3E-related conditions. This variant is not present in population databases (gnomAD no frequency). This sequence change replaces lysine, which is basic and polar, with glutamine, which is neutral and polar, at codon 610 of the SEMA3E protein (p.Lys610Gln). In summary, the available evidence is currently insufficient to determine the role of this variant in disease. Therefore, it has been classified as a Variant of Uncertain Significance.

NM_012431.3(SEMA3E):c.1828A>C (p.Lys610Gln)

Gene: SEMA3E (semaphorin 3E; minus strand). Cytogenetic location: 7q21.11.
Variant type: single nucleotide variant.
Coding change: c.1828A>C on transcript NM_012431.3 (MANE Select); coding-DNA position 1828, A replaced by C.
Protein change: p.Lys610Gln; replaces lysine 610 with glutamine.
Molecular consequence: missense variant.
Genome position (GRCh38, 1-based): chr7:83,385,341, T>G on the plus strand (A>C on the coding strand, the complement: SEMA3E is on the minus strand). VCF-style: chr7-83385341-T-G. GRCh37 (hg19) VCF-style: chr7-83014657-T-G.
Other names: c.1648A>C, p.Lys550Gln (NM_001178129.2); short protein forms K550Q, K610Q.
Identifiers: ClinVar variation 2099117 (VCV002099117.4), dbSNP rs529914797, ClinGen allele CA367921768.